The following is an entry in ClinVar:

ClinVar aggregate classification (germline): Uncertain significance (1 of 4 stars; one submission).

Conditions:
Common variable immunodeficiency (CVID). Also called: Common variable hypogamma-globulinemia; Common variable agammaglobulinemia. Identifiers: Orphanet 1572, MedGen C0009447, MONDO:0015517.

Allele frequency attached by ClinVar (database versions not stated): ExAC 0.00002; gnomAD 0.00002; gnomAD exomes 0.00003 and 0.00007; TOPMed 0.00006.

Submission:

Labcorp Genetics (formerly Invitae), Labcorp
Classification: Uncertain significance for Common variable immunodeficiency. Last evaluated: 2025-12-21. Review status: criteria provided, single submitter. Criteria: Invitae Variant Classification Sherloc (09022015). Collection method: clinical testing. Allele origin: germline.
Comment: This sequence change replaces phenylalanine, which is neutral and non-polar, with serine, which is neutral and polar, at codon 239 of the TNFSF12 protein (p.Phe239Ser). This variant is present in population databases (rs761947704, gnomAD 0.006%). This variant has not been reported in the literature in individuals affected with TNFSF12-related conditions. ClinVar contains an entry for this variant (Variation ID: 638913). An algorithm developed to predict the effect of missense changes on protein structure and function (PolyPhen-2) suggests that this variant is likely to be tolerated. In summary, the available evidence is currently insufficient to determine the role of this variant in disease. Therefore, it has been classified as a Variant of Uncertain Significance.

NM_003809.3(TNFSF12):c.716T>C (p.Phe239Ser)

Genes: TNFSF12 (TNF superfamily member 12; plus strand), TNFSF12-TNFSF13 (TNFSF12-TNFSF13 readthrough; plus strand). Cytogenetic location: 17p13.1.
Variant type: single nucleotide variant.
Coding change: c.716T>C on transcript NM_003809.3 (MANE Select); coding-DNA position 716, T replaced by C.
Protein change: p.Phe239Ser; replaces phenylalanine 239 with serine.
Molecular consequence: missense variant. On other transcripts: non-coding transcript variant (1), intron variant (1).
Genome position (GRCh38, 1-based): chr17:7,557,316, T>C. VCF-style: chr17-7557316-T-C. GRCh37 (hg19) VCF-style: chr17-7460633-T-C.
Other names: c.498+414T>C (NM_172089.4); short protein forms F239S.
Identifiers: ClinVar variation 638913 (VCV000638913.9), dbSNP rs761947704, ClinGen allele CA8350909.